The following is an entry in ClinVar:

ClinVar aggregate classification (germline): Pathogenic/Likely pathogenic. Review status: criteria provided, multiple submitters, no conflicts (2 of 4 stars). 6 submissions from 6 submitters: Pathogenic (3); Likely pathogenic (3). Last evaluated 2026-08-26.

Conditions:
Zellweger spectrum disorders (ZS). Also called: Zellweger Spectrum Disorder (ZSD); Zellweger Spectrum Disorder; Zellweger Spectrum; Zellweger syndrome. Identifiers: Orphanet 912, MedGen C0043459, MONDO:0019609.
Peroxisome biogenesis disorder, complementation group 7 (CG7). Also called: Peroxisome biogenesis disorder, complementation group B. Identifiers: MedGen C1864399.
Peroxisome biogenesis disorder 6A (Zellweger). Also called: Peroxisome biogenesis disorder 6A. Identifiers: Orphanet 912, MedGen C3553947, MONDO:0013936, OMIM 614870.
Peroxisome biogenesis disorder. Identifiers: Orphanet 79189, MedGen C1832200, MONDO:0019234. Disease mechanism: loss of function.

Submissions (6):

Myriad Genetics, Inc.
Classification: Pathogenic for Peroxisome biogenesis disorder. Last evaluated: 2026-08-26. Review status: criteria provided, single submitter. Criteria: Myriad Autosomal Dominant, Autosomal Recessive and X-Linked Classification Criteria (2023). Collection method: clinical testing. Allele origin: unknown.
Comment: NM_153818.1(PEX10):c.338delT(L113Rfs*40) is a frameshift variant classified as pathogenic in the context of peroxisome biogenesis disorder type 6. L113Rfs*40 has been observed in a case with relevant disease (PMID: 19127411). Relevant functional assessments of this variant are not available in the literature. L113Rfs*40 has not been observed in referenced population frequency databases. In summary, NM_153818.1(PEX10):c.338delT(L113Rfs*40) is a frameshift variant that has been observed more frequently in cases with the relevant disease than in healthy populations. Please note: this variant was assessed in the context of healthy population screening.

Labcorp Genetics (formerly Invitae), Labcorp
Classification: Pathogenic for Peroxisome biogenesis disorder, complementation group 7. Last evaluated: 2025-12-19. Review status: criteria provided, single submitter. Criteria: Invitae Variant Classification Sherloc (09022015). Collection method: clinical testing. Allele origin: germline.
Comment: This sequence change creates a premature translational stop signal (p.Leu113Argfs*40) in the PEX10 gene. It is expected to result in an absent or disrupted protein product. Loss-of-function variants in PEX10 are known to be pathogenic (PMID: 9683594, 10862081, 21031596). This variant is not present in population databases (gnomAD no frequency). This variant has not been reported in the literature in individuals affected with PEX10-related conditions. ClinVar contains an entry for this variant (Variation ID: 235465). For these reasons, this variant has been classified as Pathogenic.

Women's Health and Genetics/Laboratory Corporation of America, LabCorp
Classification: Pathogenic for Peroxisome biogenesis disorder. Last evaluated: 2025-11-17. Review status: criteria provided, single submitter. Criteria: LabCorp Variant Classification Summary - May 2015. Collection method: clinical testing. Allele origin: germline.
Comment: Variant summary: PEX10 c.338delT (p.Leu113ArgfsX40) results in a premature termination codon, predicted to cause a truncation of the encoded protein or absence of the protein due to nonsense mediated decay, which are commonly known mechanisms for disease. The variant was absent in 248336 control chromosomes. c.338delT has been observed in an individual affected with Zellweger Syndrome (Majewski_2011). To our knowledge, no experimental evidence demonstrating an impact on protein function has been reported. The following publications have been ascertained in the context of this evaluation (PMID: 34241766, 21862673). ClinVar contains an entry for this variant (Variation ID: 235465). Based on the evidence outlined above, the variant was classified as pathogenic.

Natera, Inc.
Classification: Likely pathogenic for Zellweger syndrome. Last evaluated: 2024-06-24. Review status: criteria provided, single submitter. Criteria: Natera Variant Classification Schema (03/2026). Collection method: clinical testing. Allele origin: germline.
Comment: The c.338del variant in PEX10 is a frameshift variant predicted to shift the reading frame beginning at codon 113 and leads to a stop codon 40 codons downstream. This variant is expected to result in nonsense mediated decay, truncation, or a dysfunctional protein product. This variant is rare in the general population with a frequency below the threshold expected for the associated phenotype(s). Given the available evidence, this variant is classified as Likely Pathogenic.

Baylor Genetics
Classification: Likely pathogenic for Peroxisome biogenesis disorder 6A (Zellweger). Last evaluated: 2023-10-11. Review status: criteria provided, single submitter. Criteria: ACMG Guidelines, 2015. Collection method: clinical testing. Allele origin: unknown.

Center for Pediatric Genomic Medicine, Children's Mercy Hospital and Clinics
Classification: Likely pathogenic. Last evaluated: 2016-01-11. Review status: criteria provided, single submitter. Criteria: ACMG Guidelines, 2015. Collection method: clinical testing. Allele origin: germline.

Literature cited by the submitters: PubMed 19127411 (cited by Myriad Genetics, Inc.); PubMed 9683594 (cited by Labcorp Genetics (formerly Invitae), Labcorp); PubMed 10862081 (cited by Labcorp Genetics (formerly Invitae), Labcorp); PubMed 21031596 (cited by Labcorp Genetics (formerly Invitae), Labcorp); PubMed 34241766 (cited by Women's Health and Genetics/Laboratory Corporation of America, LabCorp); PubMed 21862673 (cited by Women's Health and Genetics/Laboratory Corporation of America, LabCorp).

NM_002617.4(PEX10):c.338del (p.Leu113fs)

Gene: PEX10 (peroxisomal biogenesis factor 10; minus strand). Cytogenetic location: 1p36.32.
Variant type: Deletion.
Coding change: c.338del on transcript NM_002617.4 (MANE Select); coding-DNA position 338, one base deleted (T; older notation c.338delT).
Protein change: p.Leu113fs; shifts the reading frame from leucine 113.
Molecular consequence: frameshift variant. On other transcripts: 5 prime UTR variant (2), non-coding transcript variant (1).
Genome position (GRCh38, 1-based): chr1:2,408,714, A deleted on the plus strand (T on the coding strand, the reverse complement: PEX10 is on the minus strand). VCF-style (leftmost placement, unchanged base first): chr1-2408713-CA-C. GRCh37 (hg19) VCF-style: chr1-2340152-CA-C.
Other names: c.338delT (NM_153818.2, NM_153818.1); c.338del (NM_153818.1); c.338del, p.Leu113fs (NM_001374425.1, NM_153818.2); c.-95del (NM_001374426.1, NM_001374427.1); short protein forms L113fs.
Identifiers: ClinVar variation 235465 (VCV000235465.11), dbSNP rs878853044, ClinGen allele CA10581321.
Genomic context (GRCh38, chr1:2,408,713, plus strand): 5'-TGGCCCCAGGCTCCCCTGCAAGGGTCGCCCACTGTCGGGGTCAGCCTGCAGCTCCTGCTC[CA>C]GGGGGAGCAGGGCCTTGTCCAGCAGGTAGGGCAGGACGGCATGCAGTGTCACCAGCACGC-3'